The following is an entry in ClinVar:

ClinVar aggregate classification (germline): Pathogenic. Review status: criteria provided, multiple submitters, no conflicts (2 of 4 stars). 6 submissions from 6 submitters: Pathogenic (5). 1 of the submissions does not count toward it. Last evaluated 2025-02-25.

Conditions:
Inborn genetic diseases. Identifiers: MedGen C0950123, MeSH D030342.
Cornelia de Lange syndrome 5 (CDLS5). Also called: HDAC8-Related Cornelia de Lange Syndrome. Identifiers: Orphanet 199, MedGen C3550903, MONDO:0010471, OMIM 300882.

Submissions (6):

Ambry Genetics
Classification: Pathogenic for Inborn genetic diseases. Last evaluated: 2025-02-25. Review status: criteria provided, single submitter. Criteria: Ambry Variant Classification Scheme 2023. Collection method: clinical testing. Allele origin: germline.
Comment: The c.490C>T (p.R164*) alteration, located in exon 5 (coding exon 5) of the HDAC8 gene, consists of a C to T substitution at nucleotide position 490. This changes the amino acid from an arginine (R) to a stop codon at amino acid position 164. This alteration is expected to result in loss of function by premature protein truncation or nonsense-mediated mRNA decay. This variant was not reported in population-based cohorts in the Genome Aggregation Database (gnomAD). This variant was determined to be de novo in at least one individual with features consistent with HDAC8-related Cornelia de Lange syndrome (Deardorff, 2012; Wang, 2023). Based on the available evidence, this alteration is classified as pathogenic.

Rady Children's Institute for Genomic Medicine, Rady Children's Hospital San Diego
Classification: Pathogenic for CORNELIA DE LANGE SYNDROME 5. Last evaluated: 2019-05-08. Review status: criteria provided, single submitter. Criteria: ACMG Guidelines, 2015. Collection method: clinical testing. Allele origin: germline. Affected: yes.
Comment: This nonsense variant found in exon 5 of 11 is predicted to result in loss of normal protein function. This variant has been previously reported as a de novo change in patients with Cornelia de Lange syndrome (PMID: 22885700). It is absent from the ExAC and gnomAD population databases and thus is presumed to be rare. Analysis of the parental samples was negative for the variant, indicating this variant likely occurred as a de novo event. Based on the available evidence, the c.490C>T (p.Arg164Ter) variant is classified as Pathogenic.

GeneDx
Classification: Pathogenic. Last evaluated: 2017-03-09. Review status: criteria provided, single submitter. Criteria: GeneDx Variant Classification (06012015). Collection method: clinical testing. Allele origin: germline. Affected: yes.
Comment: This variant is predicted to cause loss of normal protein function either through protein truncation or nonsense-mediated mRNA decay. The R164X variant is not observed in large population cohorts (Lek et al., 2016; 1000 Genomes Consortium et al., 2015; Exome Variant Server). We interpret R164X as a pathogenic variant.

HudsonAlpha Institute for Biotechnology
Classification: Pathogenic for Cornelia de Lange syndrome 5. Last evaluated: 2016-11-10. Review status: criteria provided, single submitter. Criteria: HA_assertions_20161101. Collection method: research. Allele origin: unknown. Affected: yes. Observed: 1 variant allele. Study: CSER-HudsonAlpha.

Baylor Genetics
Classification: Pathogenic for Cornelia de Lange syndrome 5. Last evaluated: 2014-09-19. Review status: criteria provided, single submitter. Criteria: Yang et al. 2013. Collection method: clinical testing. Allele origin: de novo. Inheritance: X-linked inheritance. Affected: yes. Observed: 1 variant allele, 1 heterozygote. Study: Adult_WES.

OMIM
Classification: Pathogenic for CORNELIA DE LANGE SYNDROME 5. Last evaluated: 2012-09-13. Review status: no assertion criteria provided. Collection method: literature only. Allele origin: germline. Not counted in ClinVar's aggregate classification.

Literature cited by the submitters: PubMed 20301283 (cited by Ambry Genetics); PubMed 22885700 (cited by 3 submitters); PubMed 37229200 (cited by Ambry Genetics); PubMed 26633545 (cited by Baylor Genetics).

NM_018486.3(HDAC8):c.490C>T (p.Arg164Ter)

Gene: HDAC8 (histone deacetylase 8; minus strand). Cytogenetic location: Xq13.1.
Variant type: single nucleotide variant.
Coding change: c.490C>T on transcript NM_018486.3 (MANE Select); coding-DNA position 490, C replaced by T.
Protein change: p.Arg164Ter; replaces arginine 164 with a stop codon.
Molecular consequence: nonsense. On other transcripts: non-coding transcript variant (1).
Genome position (GRCh38, 1-based): chrX:72,495,216, G>A on the plus strand (C>T on the coding strand, the complement: HDAC8 is on the minus strand). VCF-style: chrX-72495216-G-A. GRCh37 (hg19) VCF-style: chrX-71715066-G-A.
Other names: c.217C>T, p.Arg73Ter (NM_001166418.2, NM_001166448.2); c.490C>T, p.Arg164Ter (NM_001166419.2); short protein forms R164*, R73*.
Identifiers: ClinVar variation 39710 (VCV000039710.7), dbSNP rs397515415, ClinGen allele CA261204.